The following is an entry in ClinVar:

ClinVar aggregate classification (germline): Uncertain significance (1 of 4 stars; one submission).

Conditions:
EPILEPSY, CHILDHOOD ABSENCE, SUSCEPTIBILITY TO, 2 (ECA2). Identifiers: Orphanet 64280, MedGen C1843244, OMIM 607681.
Febrile seizures, familial, 8 (FEB8). Also called: CONVULSIONS, FAMILIAL FEBRILE, 8. Identifiers: Orphanet 36387, MedGen C1969810, MONDO:0011891, OMIM 607681.

Submission:

Labcorp Genetics (formerly Invitae), Labcorp
Classification: Uncertain significance for Febrile seizures, familial, 8; EPILEPSY, CHILDHOOD ABSENCE, SUSCEPTIBILITY TO, 2. Last evaluated: 2021-09-15. Review status: criteria provided, single submitter. Criteria: Invitae Variant Classification Sherloc (09022015). Collection method: clinical testing. Allele origin: germline.
Comment: This variant has not been reported in the literature in individuals affected with GABRG2-related conditions. This variant is not present in population databases (ExAC no frequency). This sequence change replaces methionine with threonine at codon 169 of the GABRG2 protein (p.Met169Thr). The methionine residue is highly conserved and there is a moderate physicochemical difference between methionine and threonine. In summary, the available evidence is currently insufficient to determine the role of this variant in disease. Therefore, it has been classified as a Variant of Uncertain Significance. Advanced modeling of protein sequence and biophysical properties (such as structural, functional, and spatial information, amino acid conservation, physicochemical variation, residue mobility, and thermodynamic stability) performed at Invitae indicates that this missense variant is expected to disrupt GABRG2 protein function.

NM_198904.4(GABRG2):c.506T>C (p.Met169Thr)

Gene: GABRG2 (gamma-aminobutyric acid type A receptor subunit gamma2; plus strand). Cytogenetic location: 5q34.
Variant type: single nucleotide variant.
Coding change: c.506T>C on transcript NM_198904.4 (MANE Select); coding-DNA position 506, T replaced by C.
Protein change: p.Met169Thr; replaces methionine 169 with threonine.
Molecular consequence: missense variant.
Genome position (GRCh38, 1-based): chr5:162,097,816, T>C. VCF-style: chr5-162097816-T-C. GRCh37 (hg19) VCF-style: chr5-161524822-T-C.
Other names: c.506T>C, p.Met169Thr (NM_000816.3, NM_001375340.1, NM_001375341.1 and 4 more transcripts); c.497T>C, p.Met166Thr (NM_001375339.1); c.440T>C, p.Met147Thr (NM_001375345.1, NM_001375346.1); c.419T>C, p.Met140Thr (NM_001375347.1); c.86T>C, p.Met29Thr (NM_001375348.1, NM_001375350.1); c.221T>C, p.Met74Thr (NM_001375349.1); short protein forms M140T, M169T, M29T, M147T, M166T, M74T.
Identifiers: ClinVar variation 1354985 (VCV001354985.6), dbSNP rs2113327195, ClinGen allele CA362184379.